The following is an entry in ClinVar:

NM_000138.5(FBN1):c.1888A>G (p.Asn630Asp)

Gene: FBN1 (fibrillin 1; minus strand). Cytogenetic location: 15q21.1.
Variant type: single nucleotide variant.
Coding change: c.1888A>G on transcript NM_000138.5 (MANE Select); coding-DNA position 1888, A replaced by G.
Protein change: p.Asn630Asp; replaces asparagine 630 with aspartic acid.
Molecular consequence: missense variant.
Genome position (GRCh38, 1-based): chr15:48,505,097, T>C on the plus strand (A>G on the coding strand, the complement: FBN1 is on the minus strand). VCF-style: chr15-48505097-T-C. GRCh37 (hg19) VCF-style: chr15-48797294-T-C.
Other names: c.1888A>G, p.Asn630Asp (NM_001406716.1); short protein forms N630D.
Identifiers: ClinVar variation 4538111 (VCV004538111.1).

ClinVar aggregate classification (germline): Uncertain significance (1 of 4 stars; one submission).

Submission:

GeneDx
Classification: Uncertain significance. Last evaluated: 2025-06-10. Review status: criteria provided, single submitter. Criteria: GeneDx Variant Classification Process June 2021. Collection method: clinical testing. Allele origin: germline. Affected: yes.
Comment: Not observed at significant frequency in large population cohorts (gnomAD); In silico analysis supports that this missense variant has a deleterious effect on protein structure/function; Has not been previously published as pathogenic or benign to our knowledge; This variant is associated with the following publications: (PMID: 12938084)